The following is an entry in ClinVar:

ClinVar aggregate classification (germline): Conflicting classifications of pathogenicity. Review status: criteria provided, conflicting classifications (1 of 4 stars). 6 submissions from 6 submitters: Uncertain significance (3); Likely benign (3). Last evaluated 2026-01-21.

Conditions:
Hereditary cancer-predisposing syndrome. Also called: Neoplastic Syndromes, Hereditary; Hereditary neoplastic syndrome; Tumor predisposition; Hereditary Cancer Syndrome. Identifiers: Orphanet 140162, MedGen C0027672, MeSH D009386, MONDO:0015356.
Tuberous sclerosis syndrome (TSC). Also called: Tuberous sclerosis; Tuberous Sclerosis Complex. Identifiers: Orphanet 805, MedGen C0041341, MONDO:0001734.
Tuberous sclerosis 2 (TSC2). Identifiers: Orphanet 805, MedGen C1860707, MONDO:0013199, OMIM 613254.

Allele frequency attached by ClinVar (database versions not stated): gnomAD exomes below 0.00001; gnomAD 0.00001; TOPMed 0.00002.
gnomAD v4.1: 6 of 1,612,514 alleles (0.00037%); highest among the groups gnomAD compares: Non-Finnish European, 0.00051%; no homozygotes.

Submissions (6):

Labcorp Genetics (formerly Invitae), Labcorp
Classification: Likely benign for Tuberous sclerosis 2. Last evaluated: 2026-01-21. Review status: criteria provided, single submitter. Criteria: Invitae Variant Classification Sherloc (09022015). Collection method: clinical testing. Allele origin: germline.

Ambry Genetics
Classification: Likely benign for Hereditary cancer-predisposing syndrome. Last evaluated: 2024-10-25. Review status: criteria provided, single submitter. Criteria: Ambry Variant Classification Scheme 2023. Collection method: clinical testing. Allele origin: germline.

GeneDx
Classification: Uncertain significance. Last evaluated: 2024-10-16. Review status: criteria provided, single submitter. Criteria: GeneDx Variant Classification Process June 2021. Collection method: clinical testing. Allele origin: germline. Affected: yes.
Comment: Not observed at significant frequency in large population cohorts (gnomAD); In silico analysis supports that this missense variant has a deleterious effect on protein structure/function; Has not been previously published as pathogenic or benign to our knowledge

All of Us Research Program, National Institutes of Health
Classification: Uncertain significance for Tuberous sclerosis syndrome. Last evaluated: 2023-11-30. Review status: criteria provided, single submitter. Criteria: ACMG Guidelines, 2015. Collection method: clinical testing. Allele origin: germline. Inheritance: Autosomal dominant inheritance. Observed: 1 variant allele, 1 heterozygote.
Comment: This study involves interpretation of variants in research participants for the purpose of population health screening. Participant phenotype was not available at the time of variant classification. Additional details can be found in publication PMID: 35346344, PMCID: PMC8962531

Sema4
Classification: Uncertain significance for Hereditary cancer-predisposing syndrome. Last evaluated: 2022-03-13. Review status: criteria provided, single submitter. Criteria: Sema4 Curation Guidelines. Collection method: curation. Allele origin: germline.
Comment: The TSC2 c.3788C>T (p.P1263L) variant has not been reported in the literature to our knowledge. This variant is not reported in the population database Genome Aggregation Database (PMID: 32461654). The variant has been reported in ClinVar (Variation ID: 389507). Functional studies have not been performed, and in silico predictions of the variant's effect on protein function are inconclusive. The evidence is insufficient to meet ACMG/AMP criteria for classifying the variant as benign or pathogenic. Thus, the clinical significance of this variant is currently uncertain.

Genome-Nilou Lab
Classification: Likely benign for Tuberous sclerosis 2. Last evaluated: 2021-11-07. Review status: criteria provided, single submitter. Criteria: ACMG Guidelines, 2015. Collection method: clinical testing. Allele origin: germline. Affected: no.

NM_000548.5(TSC2):c.3788C>T (p.Pro1263Leu)

Gene: TSC2 (TSC complex subunit 2; plus strand). Cytogenetic location: 16p13.3.
Variant type: single nucleotide variant.
Coding change: c.3788C>T on transcript NM_000548.5 (MANE Select); coding-DNA position 3788, C replaced by T.
Protein change: p.Pro1263Leu; replaces proline 1263 with leucine.
Molecular consequence: missense variant.
Genome position (GRCh38, 1-based): chr16:2,081,772, C>T. VCF-style: chr16-2081772-C-T. GRCh37 (hg19) VCF-style: chr16-2131773-C-T.
Other names: c.3656C>T, p.Pro1219Leu (NM_001077183.3, NM_001370404.1); c.3788C>T, p.Pro1263Leu (NM_001114382.3); c.3548C>T, p.Pro1183Leu (NM_001318827.2); c.3512C>T, p.Pro1171Leu (NM_001318829.2); c.3056C>T, p.Pro1019Leu (NM_001318831.2); c.3689C>T, p.Pro1230Leu (NM_001318832.2); c.3659C>T, p.Pro1220Leu (NM_001363528.2, NM_001370405.1, NM_021055.3); short protein forms P1263L, P1183L, P1219L, P1019L, P1171L, P1220L, P1230L.
Identifiers: ClinVar variation 389507 (VCV000389507.22), dbSNP rs1057523452, ClinGen allele CA16607157.